The following is an entry in ClinVar:

ClinVar aggregate classification (germline): Uncertain significance. Review status: criteria provided, multiple submitters, no conflicts (2 of 4 stars). 3 submissions from 3 submitters: Uncertain significance (3). Last evaluated 2023-11-28.

Conditions:
Catecholaminergic polymorphic ventricular tachycardia (CVPT). Also called: Catecholamine-induced polymorphic ventricular tachycardia. Identifiers: Orphanet 3286, MedGen C5574922, MONDO:0017990.
Cardiomyopathy (CMYO). Also called: Cardiomyopathies. Identifiers: Orphanet 167848, MedGen C0878544, MONDO:0004994, HP:0001638. Inheritance: Various modes of inheritance.

Allele frequency attached by ClinVar (database versions not stated): ExAC 0.00001; gnomAD exomes 0.00001.
gnomAD v4.1: 1 of 1,613,712 alleles (0.000062%); highest among the groups gnomAD compares: Non-Finnish European, 0.000085%; no homozygotes.

Submissions (3):

All of Us Research Program, National Institutes of Health
Classification: Uncertain significance for Catecholaminergic polymorphic ventricular tachycardia. Last evaluated: 2023-11-28. Review status: criteria provided, single submitter. Criteria: ACMG Guidelines, 2015. Collection method: clinical testing. Allele origin: germline. Inheritance: Autosomal dominant inheritance. Observed: 1 variant allele, 1 heterozygote.
Comment: Variant of Uncertain Significance due to insufficient evidence: This missense variant replaces alanine with proline at codon 886 of the RYR2 protein. Computational prediction tools and conservation analyses suggest that this variant may have deleterious impact on the protein function. Computational splicing tools suggest that this variant may not impact RNA splicing. To our knowledge, functional assays have not been performed for this variant nor has this variant been reported in individuals affected with cardiovascular disorders in the literature. This variant has been identified in 2/249034 chromosomes in the general population by the Genome Aggregation Database (gnomAD). Available evidence is insufficient to determine the role of this variant in disease conclusively.

This study involves interpretation of variants in research participants for the purpose of population health screening. Participant phenotype was not available at the time of variant classification. Additional details can be found in publication PMID: 35346344, PMCID: PMC8962531

Color Diagnostics, LLC DBA Color Health
Classification: Uncertain significance for Cardiomyopathy. Last evaluated: 2019-04-01. Review status: criteria provided, single submitter. Criteria: ACMG Guidelines, 2015. Collection method: clinical testing. Allele origin: germline.
Comment: Variant of Uncertain Significance due to insufficient evidence: This missense variant replaces alanine with proline at codon 886 of the RYR2 protein. Computational prediction tools and conservation analyses suggest that this variant may have deleterious impact on the protein function. Computational splicing tools suggest that this variant may not impact RNA splicing. To our knowledge, functional assays have not been performed for this variant nor has this variant been reported in individuals affected with cardiovascular disorders in the literature. This variant has been identified in 2/249034 chromosomes in the general population by the Genome Aggregation Database (gnomAD). Available evidence is insufficient to determine the role of this variant in disease conclusively.

Blueprint Genetics
Classification: Uncertain significance. Last evaluated: 2018-11-08. Review status: criteria provided, single submitter. Criteria: ACMG Guidelines, 2015. Collection method: clinical testing. Allele origin: germline.

NM_001035.3(RYR2):c.2656G>C (p.Ala886Pro)

Gene: RYR2 (ryanodine receptor 2; plus strand). Cytogenetic location: 1q43.
Variant type: single nucleotide variant.
Coding change: c.2656G>C on transcript NM_001035.3 (MANE Select); coding-DNA position 2656, G replaced by C.
Protein change: p.Ala886Pro; replaces alanine 886 with proline.
Molecular consequence: missense variant.
Genome position (GRCh38, 1-based): chr1:237,506,752, G>C. VCF-style: chr1-237506752-G-C. GRCh37 (hg19) VCF-style: chr1-237670052-G-C.
Other names: short protein forms A886P.
Identifiers: ClinVar variation 923287 (VCV000923287.5), dbSNP rs752663219, ClinGen allele CA086106.